The following is an entry in ClinVar:

ClinVar aggregate classification (germline): Uncertain significance. Review status: criteria provided, multiple submitters, no conflicts (2 of 4 stars). 5 submissions from 5 submitters: Uncertain significance (4). 1 of the submissions does not count toward it. Last evaluated 2025-08-26.

Conditions:
Inborn genetic diseases. Identifiers: MedGen C0950123, MeSH D030342.
Peroxisome biogenesis disorder 6A (Zellweger). Also called: Peroxisome biogenesis disorder 6A. Identifiers: Orphanet 912, MedGen C3553947, MONDO:0013936, OMIM 614870.
Peroxisome biogenesis disorder 6B (PBD6B). Identifiers: Orphanet 44, MedGen C3553948, MONDO:0013937, OMIM 614871.
Peroxisome biogenesis disorder, complementation group 7 (CG7). Also called: Peroxisome biogenesis disorder, complementation group B. Identifiers: MedGen C1864399.

Allele frequency attached by ClinVar (database versions not stated): gnomAD 0.00001 and 0.00002; ExAC 0.00002; gnomAD exomes 0.00003 and 0.00010; TOPMed 0.00005; ESP Exome Variant Server 0.00008.
gnomAD v4.1: 139 of 1,601,358 alleles (0.0087%); highest among the groups gnomAD compares: East Asian, 0.036%; no homozygotes.

Submissions (5):

Ambry Genetics
Classification: Uncertain significance for Inborn genetic diseases. Last evaluated: 2025-08-26. Review status: criteria provided, single submitter. Criteria: Ambry Variant Classification Scheme 2023. Collection method: clinical testing. Allele origin: germline.

Labcorp Genetics (formerly Invitae), Labcorp
Classification: Uncertain significance for Peroxisome biogenesis disorder, complementation group 7. Last evaluated: 2022-08-02. Review status: criteria provided, single submitter. Criteria: Invitae Variant Classification Sherloc (09022015). Collection method: clinical testing. Allele origin: germline.
Comment: This sequence change replaces arginine, which is basic and polar, with histidine, which is basic and polar, at codon 346 of the PEX10 protein (p.Arg346His). The frequency data for this variant in the population databases is considered unreliable, as metrics indicate poor data quality at this position in the gnomAD database. This variant has not been reported in the literature in individuals affected with PEX10-related conditions. ClinVar contains an entry for this variant (Variation ID: 296272). Algorithms developed to predict the effect of missense changes on protein structure and function output the following: SIFT: "Tolerated"; PolyPhen-2: "Probably Damaging"; Align-GVGD: "Class C0". The histidine amino acid residue is found in multiple mammalian species, which suggests that this missense change does not adversely affect protein function. In summary, the available evidence is currently insufficient to determine the role of this variant in disease. Therefore, it has been classified as a Variant of Uncertain Significance.

Fulgent Genetics
Classification: Uncertain significance for Peroxisome biogenesis disorder 6A (Zellweger); Peroxisome biogenesis disorder 6B. Last evaluated: 2018-10-31. Review status: criteria provided, single submitter. Criteria: ACMG Guidelines, 2015. Collection method: clinical testing. Allele origin: unknown.

Illumina Laboratory Services, Illumina
Classification: Uncertain significance for Peroxisome biogenesis disorder 6A (Zellweger). Last evaluated: 2018-01-13. Review status: criteria provided, single submitter. Criteria: ICSL Variant Classification Criteria 13 December 2019. Collection method: clinical testing. Allele origin: germline.

Counsyl
Classification: Uncertain significance for Peroxisome biogenesis disorder 6A (Zellweger); Peroxisome biogenesis disorder 6B. Last evaluated: 2017-05-26. Review status: no assertion criteria provided. Collection method: clinical testing. Allele origin: unknown. Not counted in ClinVar's aggregate classification.

NM_002617.4(PEX10):c.977G>A (p.Arg326His)

Gene: PEX10 (peroxisomal biogenesis factor 10; minus strand). Cytogenetic location: 1p36.32.
Variant type: single nucleotide variant.
Coding change: c.977G>A on transcript NM_002617.4 (MANE Select); coding-DNA position 977, G replaced by A.
Protein change: p.Arg326His; replaces arginine 326 with histidine.
Molecular consequence: missense variant. On other transcripts: non-coding transcript variant (1).
Genome position (GRCh38, 1-based): chr1:2,405,770, C>T on the plus strand (G>A on the coding strand, the complement: PEX10 is on the minus strand). VCF-style: chr1-2405770-C-T. GRCh37 (hg19) VCF-style: chr1-2337209-C-T.
Other names: c.1034G>A, p.Arg345His (NM_001374425.1); c.602G>A, p.Arg201His (NM_001374426.1); c.545G>A, p.Arg182His (NM_001374427.1); c.1037G>A, p.Arg346His (NM_153818.2); short protein forms R346H, R326H, R182H, R201H, R345H.
Identifiers: ClinVar variation 296272 (VCV000296272.9), dbSNP rs140890506, ClinGen allele CA537939.